The following is an entry in ClinVar:

ClinVar aggregate classification (germline): Benign (0 of 4 stars; one submission).

Conditions:
MAN1C1-related disorder. Also called: MAN1C1-related condition.

Allele frequency attached by ClinVar (database versions not stated): gnomAD exomes 0.00366; ExAC 0.01121; gnomAD 0.03408; 1000 Genomes Project 0.03514; 1000 Genomes Project 30x 0.03592; TOPMed 0.03897; ESP Exome Variant Server 0.04144.
gnomAD v4.1: 10,752 of 1,611,756 alleles (0.67%); highest among the groups gnomAD compares: African/African-American, 12%; 599 homozygotes.

Submission:

PreventionGenetics, part of Exact Sciences
Classification: Benign for MAN1C1-related condition. Last evaluated: 2020-01-06. Review status: no assertion criteria provided. Collection method: clinical testing. Allele origin: germline.
Comment: This variant is classified as benign based on ACMG/AMP sequence variant interpretation guidelines (Richards et al. 2015 PMID: 25741868, with internal and published modifications).

NM_020379.4(MAN1C1):c.1767-3C>T

Gene: MAN1C1 (mannosidase alpha class 1C member 1; plus strand). Cytogenetic location: 1p36.11.
Variant type: single nucleotide variant.
Coding change: c.1767-3C>T on transcript NM_020379.4 (MANE Select); 3 bases into the intron before coding-DNA position 1767, C replaced by T.
Molecular consequence: intron variant.
Genome position (GRCh38, 1-based): chr1:25,783,660, C>T. VCF-style: chr1-25783660-C-T. GRCh37 (hg19) VCF-style: chr1-26110151-C-T.
Other names: c.1869-3C>T (NM_001385182.1); c.1839-3C>T (NM_001385183.1); c.1767-184C>T (NM_001289010.2); c.1263-3C>T (NM_001385184.1); c.1080-3C>T (NM_001385185.1).
Identifiers: ClinVar variation 3038749 (VCV003038749.2), dbSNP rs79893268, ClinGen allele CA696398.